The following is an entry in ClinVar:

ClinVar aggregate classification (germline): Pathogenic/Likely pathogenic. Review status: criteria provided, multiple submitters, no conflicts (2 of 4 stars). 10 submissions from 10 submitters: Pathogenic (5); Likely pathogenic (4). 1 of the submissions does not count toward it. Last evaluated 2025-11-11.

Conditions:
Polycystic kidney disease, adult type (PKD1). Also called: POLYCYSTIC KIDNEY DISEASE 1 WITH OR WITHOUT POLYCYSTIC LIVER DISEASE; Polycystic Kidney Disease 1, Autosomal Dominant; Polycystic kidney disease 1; Polycystic kidney disease 1, severe; POLYCYSTIC KIDNEY DISEASE, ADULT, TYPE I; Polycystic Kidney, Autosomal Dominant. Identifiers: MedGen C3149841, MONDO:0008263, OMIM 173900.
PKD1-related disorder. Also called: PKD1-related condition.
Inborn genetic diseases. Identifiers: MedGen C0950123, MeSH D030342.

Allele frequency attached by ClinVar (database versions not stated): gnomAD exomes below 0.00001.
gnomAD v4.1: 5 of 1,611,248 alleles (0.00031%); highest among the groups gnomAD compares: South Asian, 0.0011%; no homozygotes.

Submissions (10):

PreventionGenetics, part of Exact Sciences
Classification: Pathogenic for PKD1-related condition. Last evaluated: 2025-11-11. Review status: criteria provided, single submitter. Criteria: ACMG Guidelines, 2015. Collection method: clinical testing. Allele origin: germline.
Comment: The PKD1 c.3955G>A variant is predicted to result in the amino acid substitution p.Gly1319Arg. This variant has been reported in presumably unrelated individuals with polycystic kidney disease (Yang et al. 2014. PubMed ID: 24582653; Liu et al. 2015. PubMed ID: 26632257; Table S7, Groopman et al. 2018. PubMed ID: 30586318). In addition, we have found this variant in the heterozygous state in several presumably unrelated patients tested for polycystic kidney disease at PreventionGenetics (internal data). This variant is reported in 0.0033% of alleles in individuals of South Asian descent in gnomAD. This variant is interpreted as pathogenic.

Ambry Genetics
Classification: Likely pathogenic for Inborn genetic diseases. Last evaluated: 2025-06-13. Review status: criteria provided, single submitter. Criteria: Ambry Variant Classification Scheme 2023. Collection method: clinical testing. Allele origin: germline.
Comment: The c.3955G>A (p.G1319R) alteration is located in exon 15 (coding exon 15) of the PKD1 gene. This alteration results from a G to A substitution at nucleotide position 3955, causing the glycine (G) at amino acid position 1319 to be replaced by an arginine (R). Based on data from gnomAD, the A allele has an overall frequency of <0.001% (1/243930) total alleles studied. The highest observed frequency was 0.003% (1/30552) of South Asian alleles. This variant was reported in individual(s) with features consistent with PKD1-related polycystic kidney disease; in at least one individual, it was determined to be de novo (Liu, 2015; Nigro, 2023; Yang, 2014; external communication). This amino acid position is highly conserved in available vertebrate species. The in silico prediction for this alteration is inconclusive. Based on the available evidence, this alteration is classified as likely pathogenic.

GeneDx
Classification: Likely pathogenic. Last evaluated: 2025-06-07. Review status: criteria provided, single submitter. Criteria: GeneDx Variant Classification Process June 2021. Collection method: clinical testing. Allele origin: germline. Affected: yes.
Comment: Not observed at significant frequency in large population cohorts (gnomAD); In silico analysis supports that this missense variant has a deleterious effect on protein structure/function; This variant is associated with the following publications: (PMID: 26632257, 24582653, 30586318, 36758113)

Women's Health and Genetics/Laboratory Corporation of America, LabCorp
Classification: Pathogenic for Polycystic kidney disease, adult type. Last evaluated: 2025-04-01. Review status: criteria provided, single submitter. Criteria: LabCorp Variant Classification Summary - May 2015. Collection method: clinical testing. Allele origin: germline.
Comment: Variant summary: PKD1 c.3955G>A (p.Gly1319Arg) results in a non-conservative amino acid change located in the Repeats in polycystic kidney disease 1 (PKD1) and other proteins (IPR022409) of the encoded protein sequence. Five of five in-silico tools predict a damaging effect of the variant on protein function. The variant allele was found at a frequency of 4.1e-06 in 243930 control chromosomes. c.3955G>A has been reported in the literature in individuals affected with Polycystic Kidney Disease 1, including at-least two de novo occurrences using exome sequencing (example, Elliott_2023,Groopman_2019, Liu_2015, Nigro_2023, Yang_2014). These data indicate that the variant is likely to be associated with disease. To our knowledge, no experimental evidence demonstrating an impact on protein function has been reported. The following publications have been ascertained in the context of this evaluation (PMID: 36758113, 30586318, 26632257, 38674417, 24582653). ClinVar contains an entry for this variant (Variation ID: 562341). Based on the evidence outlined above, the variant was classified as pathogenic.

Victorian Clinical Genetics Services, Murdoch Childrens Research Institute
Classification: Pathogenic for Polycystic kidney disease, adult type. Last evaluated: 2024-10-29. Review status: criteria provided, single submitter. Criteria: ACMG Guidelines, 2015. Collection method: clinical testing. Allele origin: germline. Affected: yes.
Comment: This variant is classified as Pathogenic. Evidence in support of pathogenic classification: Variant is present in gnomAD <0.001 for a dominant condition (v4: 5 heterozygote(s), 0 homozygote(s)); This variant has strong previous evidence of pathogenicity in unrelated individuals. This variant has been classified as likely pathogenic/pathogenic by diagnostic laboratories in ClinVar, and reported in the literature in ADPKD patients (PMID: 24582653, 26632257, 38674417, 30586318, 26453610); Missense variant consistently predicted to be damaging by in silico tool or highly conserved with a major amino acid change. Additional information: Variant is predicted to result in a missense amino acid change from glycine to arginine; This variant is heterozygous; This gene is associated with autosomal dominant disease. Polycystic kidney disease 1 (MIM#173900) is predominantly caused by monoallelic variants, with rare reports of biallelic variants causing disease (OMIM); Loss of function is a known mechanism of disease in this gene and is associated with polycystic kidney disease 1 (MIM#173900); Inheritance information for this variant is not currently available in this individual.

CeGaT Center for Human Genetics Tuebingen
Classification: Likely pathogenic. Last evaluated: 2024-07-01. Review status: criteria provided, single submitter. Criteria: CeGaT Center For Human Genetics Tuebingen Variant Classification Criteria Version 2. Collection method: clinical testing. Allele origin: germline. Affected: yes. Observed: 2 variant alleles.
Comment: PKD1: PM2, PS2:Moderate, PS4:Moderate, PP4

Fulgent Genetics
Classification: Pathogenic for Polycystic kidney disease, adult type. Last evaluated: 2024-01-08. Review status: criteria provided, single submitter. Criteria: ACMG Guidelines, 2015. Collection method: clinical testing. Allele origin: germline.

Blueprint Genetics
Classification: Pathogenic for PKD1-related disorders. Last evaluated: 2019-12-12. Review status: criteria provided, single submitter. Criteria: ACMG Guidelines, 2015. Collection method: clinical testing. Allele origin: germline. Affected: yes. Observed: 3 variant alleles.

Juno Genomics, Hangzhou Juno Genomics, Inc
Classification: Likely pathogenic for Polycystic kidney disease, adult type. Review status: criteria provided, single submitter. Criteria: ACMG Guidelines, 2015. Collection method: clinical testing. Allele origin: germline.
Comment: Absent from controls (or at extremely low frequency if recessive) in Genome Aggregation Database.;Multiple lines of computational evidence support a deleterious effect on the gene or gene product.;The prevalence of the variant in affected individuals is significantly increased compared to the prevalence in controls.;Assumed de novo, but without confirmation of paternity and maternity.;Patient's phenotype or family history is highly specific for a disease with a single genetic etiology.

Gharavi Laboratory, Columbia University
Classification: Pathogenic. Last evaluated: 2018-09-16. Review status: no assertion criteria provided. Criteria: ACMG Guidelines, 2015. Collection method: research. Allele origin: germline. Affected: yes. Not counted in ClinVar's aggregate classification.

Literature cited by the submitters: PubMed 24582653 (cited by 3 submitters); PubMed 26632257 (cited by 3 submitters); PubMed 37372416 (cited by Ambry Genetics); PubMed 30586318 (cited by Women's Health and Genetics/Laboratory Corporation of America, LabCorp and Victorian Clinical Genetics Services, Murdoch Childrens Research Institute); PubMed 36758113 (cited by Women's Health and Genetics/Laboratory Corporation of America, LabCorp); PubMed 38674417 (cited by Women's Health and Genetics/Laboratory Corporation of America, LabCorp and Victorian Clinical Genetics Services, Murdoch Childrens Research Institute); PubMed 26453610 (cited by Victorian Clinical Genetics Services, Murdoch Childrens Research Institute).

NM_001009944.3(PKD1):c.3955G>A (p.Gly1319Arg)

Gene: PKD1 (polycystin 1, transient receptor potential channel interacting; minus strand). Cytogenetic location: 16p13.3.
Variant type: single nucleotide variant.
Coding change: c.3955G>A on transcript NM_001009944.3 (MANE Select); coding-DNA position 3955, G replaced by A.
Protein change: p.Gly1319Arg; replaces glycine 1319 with arginine.
Molecular consequence: missense variant.
Genome position (GRCh38, 1-based): chr16:2,111,212, C>T on the plus strand (G>A on the coding strand, the complement: PKD1 is on the minus strand). VCF-style: chr16-2111212-C-T. GRCh37 (hg19) VCF-style: chr16-2161213-C-T.
Other names: c.3955G>A, p.Gly1319Arg (NM_000296.4); c.3955G>A (NM_000296.3); short protein forms G1319R.
Identifiers: ClinVar variation 562341 (VCV000562341.44), dbSNP rs747362311, ClinGen allele CA394381888.
Genomic context (GRCh38, chr16:2,111,212, plus strand): 5'-CGGTCGTGTTGGAGGAGCCATCCCCGAAGGTCCAGTCGAAGAGGTAGTGGGCCGGGTTCC[C>T]GGTGACGTAGGCCGTGAGCCGCGCGTCAGGCTGCGTGGGGATGCAGGCGGCGGGTTCAAC-3'
Protein context (NP_001009944.3, residues 1309-1329): PDARLTAYVT[Gly1319Arg]NPAHYLFDWT